The following is an entry in ClinVar:

ClinVar aggregate classification (germline): Uncertain significance (1 of 4 stars; one submission).

Submission:

Labcorp Genetics (formerly Invitae), Labcorp
Classification: Uncertain significance. Last evaluated: 2024-08-08. Review status: criteria provided, single submitter. Criteria: Invitae Variant Classification Sherloc (09022015). Collection method: clinical testing. Allele origin: germline.
Comment: This sequence change replaces alanine, which is neutral and non-polar, with valine, which is neutral and non-polar, at codon 2606 of the NSD1 protein (p.Ala2606Val). This variant is not present in population databases (gnomAD no frequency). This variant has not been reported in the literature in individuals affected with NSD1-related conditions. Advanced modeling of protein sequence and biophysical properties (such as structural, functional, and spatial information, amino acid conservation, physicochemical variation, residue mobility, and thermodynamic stability) performed at Invitae indicates that this missense variant is not expected to disrupt NSD1 protein function with a negative predictive value of 95%. In summary, the available evidence is currently insufficient to determine the role of this variant in disease. Therefore, it has been classified as a Variant of Uncertain Significance.

NM_022455.5(NSD1):c.7817C>T (p.Ala2606Val)

Gene: NSD1 (nuclear receptor binding SET domain protein 1; plus strand). Cytogenetic location: 5q35.3.
Variant type: single nucleotide variant.
Coding change: c.7817C>T on transcript NM_022455.5 (MANE Select); coding-DNA position 7817, C replaced by T.
Protein change: p.Ala2606Val; replaces alanine 2606 with valine.
Molecular consequence: missense variant.
Genome position (GRCh38, 1-based): chr5:177,295,185, C>T. VCF-style: chr5-177295185-C-T. GRCh37 (hg19) VCF-style: chr5-176722186-C-T.
Other names: c.6944C>T, p.Ala2315Val (NM_001365684.2, NM_001409308.1, NM_172349.5); c.7817C>T, p.Ala2606Val (NM_001409301.1, NM_001409302.1, NM_001409303.1); c.7397C>T, p.Ala2466Val (NM_001409304.1); c.7064C>T, p.Ala2355Val (NM_001409305.1); c.7055C>T, p.Ala2352Val (NM_001409306.1, NM_001409307.1); c.6695C>T, p.Ala2232Val (NM_001409309.1); short protein forms A2315V, A2355V, A2606V, A2232V, A2352V, A2466V.
Identifiers: ClinVar variation 3666977 (VCV003666977.2).